The following is an entry in ClinVar:

NM_001122630.2(CDKN1C):c.620C>T (p.Ala207Val)

Gene: CDKN1C (cyclin dependent kinase inhibitor 1C; minus strand). Cytogenetic location: 11p15.4.
Variant type: single nucleotide variant.
Coding change: c.620C>T on transcript NM_001122630.2 (MANE Select); coding-DNA position 620, C replaced by T.
Protein change: p.Ala207Val; replaces alanine 207 with valine.
Molecular consequence: missense variant. On other transcripts: intron variant (1).
Genome position (GRCh38, 1-based): chr11:2,884,837, G>A on the plus strand (C>T on the coding strand, the complement: CDKN1C is on the minus strand). VCF-style: chr11-2884837-G-A. GRCh37 (hg19) VCF-style: chr11-2906067-G-A.
Other names: c.653C>T, p.Ala218Val (NM_000076.2, NM_001362474.2, LRG_533t1); c.620C>T, p.Ala207Val (NM_001122631.2); c.255+365C>T (NM_001362475.2); short protein forms A218V, A207V.
Identifiers: ClinVar variation 567716 (VCV000567716.7), dbSNP rs1564929547, ClinGen allele CA379146066.

ClinVar aggregate classification (germline): Uncertain significance. Review status: criteria provided, multiple submitters, no conflicts (2 of 4 stars). 2 submissions from 2 submitters: Uncertain significance (2). Last evaluated 2024-04-18.

Conditions:
IMAGe syndrome. Also called: Intrauterine growth retardation, metaphyseal dysplasia, adrenal hypoplasia congenita, and genital anomalies; Intrauterine Growth Restriction, Metaphyseal Dysplasia, Adrenal Hypoplasia Congenita, and Genital Anomalies. Identifiers: Orphanet 85173, MedGen C1846009, MONDO:0013873, OMIM 614732.
Beckwith-Wiedemann syndrome (BWS). Also called: Exomphalos macroglossia gigantism syndrome; EMG SYNDROME. Identifiers: Orphanet 116, MedGen C0004903, MONDO:0007534, OMIM 130650.

Allele frequency attached by ClinVar (database versions not stated): gnomAD below 0.00001 and 0.00001; gnomAD exomes below 0.00001.

Submissions (2):

Fulgent Genetics
Classification: Uncertain significance for Beckwith-Wiedemann syndrome; IMAGe syndrome. Last evaluated: 2024-04-18. Review status: criteria provided, single submitter. Criteria: ACMG Guidelines, 2015. Collection method: clinical testing. Allele origin: germline.

Labcorp Genetics (formerly Invitae), Labcorp
Classification: Uncertain significance for Beckwith-Wiedemann syndrome. Last evaluated: 2018-01-14. Review status: criteria provided, single submitter. Criteria: Invitae Variant Classification Sherloc (09022015). Collection method: clinical testing. Allele origin: germline.
Comment: This sequence change replaces alanine with valine at codon 218 of the CDKN1C protein (p.Ala218Val). The alanine residue is weakly conserved and there is a small physicochemical difference between alanine and valine. While this variant is not present in population databases, the frequency information is unreliable, as metrics indicate poor data quality at this position in the ExAC database. This variant has not been reported in the literature in individuals with CDKN1C-related disease. Algorithms developed to predict the effect of missense changes on protein structure and function do not agree on the potential impact of this missense change (SIFT: "Deleterious"; PolyPhen-2: "Benign"; Align-GVGD: "Class C0"). In summary, the available evidence is currently insufficient to determine the role of this variant in disease. Therefore, it has been classified as a Variant of Uncertain Significance.